The following is an entry in ClinVar:

ClinVar aggregate classification (germline): Pathogenic (1 of 4 stars; one submission).

Conditions:
Neurofibromatosis, type 1 (NF1). Also called: VON RECKLINGHAUSEN DISEASE; Neurofibromatosis, type I; Peripheral type neurofibromatosis; NEUROFIBROMATOSIS, TYPE I, SOMATIC. Identifiers: Orphanet 636, MedGen C0027831, MONDO:0018975, OMIM 162200. Disease mechanism: loss of function.

Submission:

Labcorp Genetics (formerly Invitae), Labcorp
Classification: Pathogenic for Neurofibromatosis, type 1. Last evaluated: 2024-06-21. Review status: criteria provided, single submitter. Criteria: Invitae Variant Classification Sherloc (09022015). Collection method: clinical testing. Allele origin: germline.
Comment: This sequence change creates a premature translational stop signal (p.Leu2647Cysfs*11) in the NF1 gene. It is expected to result in an absent or disrupted protein product. Loss-of-function variants in NF1 are known to be pathogenic (PMID: 10712197, 23913538). This variant is not present in population databases (gnomAD no frequency). This variant has not been reported in the literature in individuals affected with NF1-related conditions. For these reasons, this variant has been classified as Pathogenic.

Literature cited by the submitters: PubMed 10712197; PubMed 23913538.

NM_001042492.3(NF1):c.8002del (p.Leu2668fs)

Gene: NF1 (neurofibromin 1; plus strand). Cytogenetic location: 17q11.2.
Variant type: Deletion.
Coding change: c.8002del on transcript NM_001042492.3 (MANE Select); coding-DNA position 8002, one base deleted (C; older notation c.8002delC).
Protein change: p.Leu2668fs; shifts the reading frame from leucine 2668.
Molecular consequence: frameshift variant.
Genome position (GRCh38, 1-based): chr17:31,358,511, C deleted; the last of 3 consecutive C bases (chr17:31,358,509-31,358,511); deleting any one gives the same sequence. VCF-style (leftmost placement, unchanged base first): chr17-31358508-AC-A. GRCh37 (hg19) VCF-style: chr17-29685526-AC-A.
Other names: c.7939delC, p.Leu2647Cysfs (NM_000267.4); short protein forms L2647fs, L2668fs.
Identifiers: ClinVar variation 2857505 (VCV002857505.3), dbSNP rs2508834874, ClinGen allele CA499344560.